The following is an entry in ClinVar:

ClinVar aggregate classification (germline): Likely pathogenic (1 of 4 stars; one submission).

Conditions:
Insulin-dependent diabetes mellitus secretory diarrhea syndrome (IPEX). Also called: IMMUNODEFICIENCY, POLYENDOCRINOPATHY, AND ENTEROPATHY, X-LINKED; Immune dysregulation-polyendocrinopathy-enteropathy-X-linked syndrome; X-Linked Autoimmunity-Allergic Dysregulation Syndrome; DIABETES MELLITUS, CONGENITAL INSULIN-DEPENDENT, WITH FATAL SECRETORY DIARRHEA; DIARRHEA, POLYENDOCRINOPATHY, FATAL INFECTION SYNDROME, X-LINKED; ENTEROPATHY, AUTOIMMUNE, WITH HEMOLYTIC ANEMIA AND POLYENDOCRINOPATHY. Identifiers: Orphanet 37042, MedGen C0342288, MONDO:0010580, OMIM 304790. Disease mechanism: loss of function.

Submission:

Labcorp Genetics (formerly Invitae), Labcorp
Classification: Likely pathogenic for Insulin-dependent diabetes mellitus secretory diarrhea syndrome. Last evaluated: 2025-10-16. Review status: criteria provided, single submitter. Criteria: Invitae Variant Classification Sherloc (09022015). Collection method: clinical testing. Allele origin: germline.
Comment: This variant results in the deletion of part of exon 6 (c.646_647+2del) of the FOXP3 gene. It is expected to disrupt RNA splicing. Variants that disrupt the donor or acceptor splice site typically lead to a loss of protein function (PMID: 16199547), and loss-of-function variants in FOXP3 are known to be pathogenic (PMID: 11137992, 11137993). This variant is not present in population databases (gnomAD no frequency). This variant has not been reported in the literature in individuals affected with FOXP3-related conditions. In summary, the currently available evidence indicates that the variant is pathogenic, but additional data are needed to prove that conclusively. Therefore, this variant has been classified as Likely Pathogenic.

Literature cited by the submitters: PubMed 16199547; PubMed 11137992; PubMed 11137993.

NM_014009.4(FOXP3):c.646_647+2del

Gene: FOXP3 (forkhead box P3; minus strand). Cytogenetic location: Xp11.23.
Variant type: Deletion.
Coding change: c.646_647+2del on transcript NM_014009.4 (MANE Select); coding-DNA position 646 through the canonical splice donor site of the intron after coding-DNA position 647, 4 bases deleted (AAGT; older notation c.646_647+2delAAGT).
Molecular consequence: splice donor variant.
Genome position (GRCh38, 1-based): chrX:49,256,749-49,256,752, ACTT deleted on the plus strand (AAGT on the coding strand, the reverse complement: FOXP3 is on the minus strand). VCF-style (leftmost placement, unchanged base first): chrX-49256748-CACTT-C. GRCh37 (hg19) VCF-style: chrX-49113205-CACTT-C.
Other names: c.541_542+2del (NM_001114377.2).
Identifiers: ClinVar variation 4729364 (VCV004729364.1).